The following is an entry in ClinVar:

NM_001101.5(ACTB):c.124G>A (p.Gly42Ser)

Gene: ACTB (actin beta; minus strand). Cytogenetic location: 7p22.1.
Variant type: single nucleotide variant.
Coding change: c.124G>A on transcript NM_001101.5 (MANE Select); coding-DNA position 124, G replaced by A.
Protein change: p.Gly42Ser; replaces glycine 42 with serine.
Molecular consequence: missense variant.
Genome position (GRCh38, 1-based): chr7:5,529,400, C>T on the plus strand (G>A on the coding strand, the complement: ACTB is on the minus strand). VCF-style: chr7-5529400-C-T. GRCh37 (hg19) VCF-style: chr7-5569031-C-T.
Other names: c.124G>A (LRG_132t1); short protein forms G42S.
Identifiers: ClinVar variation 561793 (VCV000561793.44), dbSNP rs1562719872, ClinGen allele CA366706434.
Genomic context (GRCh38, chr7:5,529,400, plus strand): 5'-TCTTGCTCTGGGCCTCGTCGCCCACATAGGAATCCTTCTGACCCATGCCCACCATCACGC[C>T]CTGGGAAGGAAAGGACAAGAAGCCCTGAGCACGGGCGCAGCCCCCACCCCGGAAACCGGG-3'
Protein context (NP_001092.1, residues 32-52): PSIVGRPRHQ[Gly42Ser]VMVGMGQKDS

ClinVar aggregate classification (germline): Conflicting classifications of pathogenicity. Review status: criteria provided, conflicting classifications (1 of 4 stars). 3 submissions from 3 submitters: Likely pathogenic (2); Uncertain significance (1). Last evaluated 2021-10-02.

Conditions:
Baraitser-Winter syndrome 1 (BRWS1). Also called: BARAITSER-WINTER SYNDROME 1, ATYPICAL; PACHYGYRIA, MENTAL RETARDATION, EPILEPSY, AND CHARACTERISTIC FACIES; MENTAL RETARDATION WITH EPILEPSY AND CHARACTERISTIC FACIES; Cerebrofrontofacial syndrome. Identifiers: Orphanet 2649, Orphanet 2995, MedGen C1855722, MONDO:0009470, OMIM 243310.

Submissions (3):

3billion
Classification: Likely pathogenic for Baraitser-Winter syndrome 1. Last evaluated: 2021-10-02. Review status: criteria provided, single submitter. Criteria: ACMG Guidelines, 2015. Collection method: clinical testing. Allele origin: germline. Affected: yes. Observed: 1 heterozygote.
Comment: Same nucleotide change resulting in same amino acid change has been previously reported as pathogenic/likely pathogenic with supporting evidence (PMID: VCV000561793.7, PS1_P). It is not observed in the gnomAD v2.1.1 dataset (PM2). The variant was observed as assumed (i.e. paternity and maternity not confirmed) de novoo (3billion dataset, PM6). Missense changes are a common disease-causing mechanism (PP2). In silico tool predictions suggest damaging effect of the variant on gene or gene product (REVEL: 0.666, 3Cnet: 0.959, PP3). Therefore, this variant is classified as pathogenic according to the recommendation of ACMG/AMP guideline.

CeGaT Center for Human Genetics Tuebingen
Classification: Uncertain significance. Last evaluated: 2019-08-01. Review status: criteria provided, single submitter. Criteria: CeGaT Center For Human Genetics Tuebingen Variant Classification Criteria Version 2. Collection method: clinical testing. Allele origin: germline. Affected: yes. Observed: 3 variant alleles.

GeneDx
Classification: Likely pathogenic. Last evaluated: 2018-05-02. Review status: criteria provided, single submitter. Criteria: GeneDx Variant Classification (06012015). Collection method: clinical testing. Allele origin: germline. Affected: yes.
Comment: The G42S variant in the ACTB gene has not been reported previously as a pathogenic variant, nor as a benign variant, to our knowledge. The G42S variant is not observed in large population cohorts (Lek et al., 2016). The G42S variant is a non-conservative amino acid substitution, which is likely to impact secondary protein structure as these residues differ in polarity, charge, size and/or other properties. In-silico analyses, including protein predictors and evolutionary conservation, support a deleterious effect. We interpret G42S as a likely pathogenic variant.